The following is an entry in ClinVar:

NM_004281.4(BAG3):c.104G>A (p.Gly35Asp)

Gene: BAG3 (BAG cochaperone 3; plus strand). Cytogenetic location: 10q26.11.
Variant type: single nucleotide variant.
Coding change: c.104G>A on transcript NM_004281.4 (MANE Select); coding-DNA position 104, G replaced by A.
Protein change: p.Gly35Asp; replaces glycine 35 with aspartic acid.
Molecular consequence: missense variant.
Genome position (GRCh38, 1-based): chr10:119,651,779, G>A. VCF-style: chr10-119651779-G-A. GRCh37 (hg19) VCF-style: chr10-121411291-G-A.
Other names: short protein forms G35D.
Identifiers: ClinVar variation 2118726 (VCV002118726.4), dbSNP rs2493979847, ClinGen allele CA378294184.
Genomic context (GRCh38, chr10:119,651,779, plus strand): 5'-GCAACGGTGACCGCGACCCTTTGCCCCCCGGATGGGAGATCAAGATCGACCCGCAGACCG[G>A]CTGGCCCTTCTTCGTGGACCACAACAGCCGCACCACTACGTGGAACGACCCGCGCGTGCC-3'
Protein context (NP_004272.2, residues 25-45): GWEIKIDPQT[Gly35Asp]WPFFVDHNSR

ClinVar aggregate classification (germline): Uncertain significance (1 of 4 stars; one submission).

Conditions:
Myofibrillar myopathy 6. Identifiers: Orphanet 199340, MedGen C2751831, MONDO:0013061, OMIM 612954.
Dilated cardiomyopathy 1HH (CMD1HH). Identifiers: Orphanet 154, MedGen C3151293, MONDO:0013479, OMIM 613881.

Submission:

Labcorp Genetics (formerly Invitae), Labcorp
Classification: Uncertain significance for Dilated cardiomyopathy 1HH; Myofibrillar myopathy 6. Last evaluated: 2022-03-28. Review status: criteria provided, single submitter. Criteria: Invitae Variant Classification Sherloc (09022015). Collection method: clinical testing. Allele origin: germline.
Comment: In summary, the available evidence is currently insufficient to determine the role of this variant in disease. Therefore, it has been classified as a Variant of Uncertain Significance. Algorithms developed to predict the effect of missense changes on protein structure and function are either unavailable or do not agree on the potential impact of this missense change (SIFT: "Tolerated"; PolyPhen-2: "Probably Damaging"; Align-GVGD: "Class C0"). This variant has not been reported in the literature in individuals affected with BAG3-related conditions. This variant is not present in population databases (gnomAD no frequency). This sequence change replaces glycine, which is neutral and non-polar, with aspartic acid, which is acidic and polar, at codon 35 of the BAG3 protein (p.Gly35Asp).